The following is an entry in ClinVar:

ClinVar aggregate classification (germline): Uncertain significance (1 of 4 stars; one submission).

Conditions:
Cone-rod dystrophy 6 (CORD6). Also called: Cone dystrophy progressive; RETINAL CONE DYSTROPHY 2. Identifiers: Orphanet 1872, MedGen C1866293, MONDO:0011143, OMIM 601777.
Leber congenital amaurosis 1 (LCA1). Also called: AMAUROSIS CONGENITA OF LEBER I; RETINAL BLINDNESS, CONGENITAL; Congenital absence of the rods and cones; Leber's congenital tapetoretinal degeneration; Leber's congenital tapetoretinal dysplasia. Identifiers: Orphanet 65, MedGen C2931258, MONDO:0008764, OMIM 204000.

Allele frequency attached by ClinVar (database versions not stated): gnomAD exomes below 0.00001; gnomAD 0.00001; ESP Exome Variant Server 0.00008.
gnomAD v4.1: 7 of 1,591,546 alleles (0.00044%); highest among the groups gnomAD compares: Non-Finnish European, 0.0006%; no homozygotes.

Submission:

Labcorp Genetics (formerly Invitae), Labcorp
Classification: Uncertain significance for Leber congenital amaurosis 1; Cone-rod dystrophy 6. Last evaluated: 2024-10-30. Review status: criteria provided, single submitter. Criteria: Invitae Variant Classification Sherloc (09022015). Collection method: clinical testing. Allele origin: germline.
Comment: This sequence change replaces leucine, which is neutral and non-polar, with valine, which is neutral and non-polar, at codon 340 of the GUCY2D protein (p.Leu340Val). This variant is present in population databases (rs374507808, gnomAD 0.002%). This variant has not been reported in the literature in individuals affected with GUCY2D-related conditions. ClinVar contains an entry for this variant (Variation ID: 1982538). Invitae Evidence Modeling of protein sequence and biophysical properties (such as structural, functional, and spatial information, amino acid conservation, physicochemical variation, residue mobility, and thermodynamic stability) indicates that this missense variant is not expected to disrupt GUCY2D protein function with a negative predictive value of 80%. In summary, the available evidence is currently insufficient to determine the role of this variant in disease. Therefore, it has been classified as a Variant of Uncertain Significance.

NM_000180.4(GUCY2D):c.1018C>G (p.Leu340Val)

Gene: GUCY2D (guanylate cyclase 2D, retinal; plus strand). Cytogenetic location: 17p13.1.
Variant type: single nucleotide variant.
Coding change: c.1018C>G on transcript NM_000180.4 (MANE Select); coding-DNA position 1018, C replaced by G.
Protein change: p.Leu340Val; replaces leucine 340 with valine.
Molecular consequence: missense variant.
Genome position (GRCh38, 1-based): chr17:8,004,148, C>G. VCF-style: chr17-8004148-C-G. GRCh37 (hg19) VCF-style: chr17-7907466-C-G.
Other names: short protein forms L340V.
Identifiers: ClinVar variation 1982538 (VCV001982538.3), dbSNP rs374507808, ClinGen allele CA8365612.
Genomic context (GRCh38, chr17:8,004,148, plus strand): 5'-AGCGTGCTGGACAGCCTGCGCAGGGCTCAAGAGCGCCGCGAGCTGCCCTCTGACCTCAAT[C>G]TGCAGCAGGTAGACGGTCCCGGGAGGAGGGAAGAAGGCAAGGGAGAGGGGAGAGGACAGC-3'
Protein context (NP_000171.1, residues 330-350): ERRELPSDLN[Leu340Val]QQVSPLFGTI